The following is an entry in ClinVar:

ClinVar aggregate classification (germline): Pathogenic (1 of 4 stars; one submission).

Submission:

Labcorp Genetics (formerly Invitae), Labcorp
Classification: Pathogenic. Last evaluated: 2023-07-31. Review status: criteria provided, single submitter. Criteria: Invitae Variant Classification Sherloc (09022015). Collection method: clinical testing. Allele origin: germline.
Comment: This variant has not been reported in the literature in individuals affected with COL4A4-related conditions. ClinVar contains an entry for this variant (Variation ID: 1070585). For these reasons, this variant has been classified as Pathogenic. This variant is not present in population databases (gnomAD no frequency). This sequence change creates a premature translational stop signal (p.Gly1401Argfs*32) in the COL4A4 gene. It is expected to result in an absent or disrupted protein product. Loss-of-function variants in COL4A4 are known to be pathogenic (PMID: 21196518, 24854265, 25307543).

Literature cited by the submitters: PubMed 21196518; PubMed 24854265; PubMed 25307543.

NM_000092.5(COL4A4):c.4200dup (p.Gly1401fs)

Gene: COL4A4 (collagen type IV alpha 4 chain; minus strand). Cytogenetic location: 2q36.3.
Variant type: Duplication.
Coding change: c.4200dup on transcript NM_000092.5 (MANE Select); coding-DNA position 4200, one base duplicated (A; older notation c.4200dupA).
Protein change: p.Gly1401fs; shifts the reading frame from glycine 1401.
Molecular consequence: frameshift variant.
Genome position (GRCh38, 1-based): chr2:227,022,064, T duplicated on the plus strand (A on the coding strand, the reverse complement: COL4A4 is on the minus strand). VCF-style (leftmost placement, unchanged base first): chr2-227022063-C-CT. GRCh37 (hg19) VCF-style: chr2-227886779-C-CT.
Other names: short protein forms G1401fs.
Identifiers: ClinVar variation 1070585 (VCV001070585.7), dbSNP rs2149852637, ClinGen allele CA2499215711.